The following is an entry in ClinVar:

NM_013382.7(POMT2):c.439-6C>T

Gene: POMT2 (protein O-mannosyltransferase 2; minus strand). Cytogenetic location: 14q24.3.
Variant type: single nucleotide variant.
Coding change: c.439-6C>T on transcript NM_013382.7 (MANE Select); 6 bases into the intron before coding-DNA position 439, C replaced by T.
Molecular consequence: intron variant.
Genome position (GRCh38, 1-based): chr14:77,304,806, G>A on the plus strand (C>T on the coding strand, the complement: POMT2 is on the minus strand). VCF-style: chr14-77304806-G-A. GRCh37 (hg19) VCF-style: chr14-77771149-G-A.
Other names: p.?; c.439-6C>T (NM_013382.5).
Identifiers: ClinVar variation 1901202 (VCV001901202.6), dbSNP rs758521277, ClinGen allele CA7286193.

ClinVar aggregate classification (germline): Likely benign. Review status: criteria provided, multiple submitters, no conflicts (2 of 4 stars). 2 submissions from 2 submitters: Likely benign (2). Last evaluated 2025-12-14.

Conditions:
Autosomal recessive limb-girdle muscular dystrophy type 2N. Also called: MUSCULAR DYSTROPHY-DYSTROGLYCANOPATHY, LIMB-GIRDLE, POMT2-RELATED; Muscular dystrophy-dystroglycanopathy (limb-girdle), type C, 2. Identifiers: Orphanet 206559, MedGen C3150418, MONDO:0013162, OMIM 613158.
Muscular dystrophy-dystroglycanopathy (congenital with brain and eye anomalies), type A2. Also called: MUSCULAR DYSTROPHY-DYSTROGLYCANOPATHY (CONGENITAL WITH BRAIN AND EYE ANOMALIES), TYPE A, 2; WALKER-WARBURG SYNDROME OR MUSCLE-EYE-BRAIN DISEASE, POMT2-RELATED. Identifiers: Orphanet 588, Orphanet 899, MedGen C3150411, MONDO:0013154, OMIM 613150.
Muscular dystrophy-dystroglycanopathy (congenital with impaired intellectual development), type B, 2. Also called: MUSCULAR DYSTROPHY, CONGENITAL, POMT2-RELATED; Muscular dystrophy-dystroglycanopathy (congenital with intellectual disability), type B2. Identifiers: MedGen C3150416, MONDO:0013160, OMIM 613156.

Allele frequency attached by ClinVar (database versions not stated): TOPMed 0.00001; gnomAD 0.00001; ExAC 0.00003.
gnomAD v4.1: 6 of 1,580,132 alleles (0.00038%); highest among the groups gnomAD compares: African/African-American, 0.0067%; no homozygotes.

Submissions (2):

Mayo Clinic Laboratories, Mayo Clinic
Classification: Likely benign. Last evaluated: 2025-12-14. Review status: criteria provided, single submitter. Criteria: ACMG Guidelines, 2015. Collection method: clinical testing. Allele origin: germline. Observed: 1 variant allele.
Comment: BP4, BP7

Labcorp Genetics (formerly Invitae), Labcorp
Classification: Likely benign for Muscular dystrophy-dystroglycanopathy (congenital with impaired intellectual development), type B, 2; Muscular dystrophy-dystroglycanopathy (congenital with brain and eye anomalies), type A2; Autosomal recessive limb-girdle muscular dystrophy type 2N. Last evaluated: 2024-07-24. Review status: criteria provided, single submitter. Criteria: Invitae Variant Classification Sherloc (09022015). Collection method: clinical testing. Allele origin: germline.